The following is an entry in ClinVar:

NM_001330691.3(CEP78):c.1206-2A>C

Gene: CEP78 (centrosomal protein 78; plus strand). Cytogenetic location: 9q21.2.
Variant type: single nucleotide variant.
Coding change: c.1206-2A>C on transcript NM_001330691.3 (MANE Select); the canonical splice acceptor site of the intron before coding-DNA position 1206, A replaced by C.
Molecular consequence: splice acceptor variant.
Genome position (GRCh38, 1-based): chr9:78,253,230, A>C. VCF-style: chr9-78253230-A-C. GRCh37 (hg19) VCF-style: chr9-80868146-A-C.
Other names: c.1209-2A>C (NM_001349839.2, NM_001349840.2, NM_001098802.3 and 1 more transcripts); c.1206-2A>C (NM_001330693.3, NM_001349838.2, NM_001330694.2).
Identifiers: ClinVar variation 836906 (VCV000836906.13), dbSNP rs778035330, ClinGen allele CA5095184.

ClinVar aggregate classification (germline): Pathogenic/Likely pathogenic. Review status: criteria provided, multiple submitters, no conflicts (2 of 4 stars). 4 submissions from 4 submitters: Pathogenic (2); Likely pathogenic (1). 1 of the submissions does not count toward it. Last evaluated 2026-03-12.

Conditions:
CEP78-related disorder. Also called: CEP78-related condition.
Cone-rod dystrophy and hearing loss 1 (CRDHL1). Identifiers: MedGen C5193018, MONDO:0020778, OMIM 617236.

Allele frequency attached by ClinVar (database versions not stated): gnomAD exomes 0.00001; TOPMed 0.00001; ExAC 0.00004.
gnomAD v4.1: 59 of 1,279,108 alleles (0.0046%); highest among the groups gnomAD compares: Non-Finnish European, 0.0062%; no homozygotes.

Submissions (4):

PreventionGenetics, part of Exact Sciences
Classification: Likely pathogenic for CEP78-related condition. Last evaluated: 2026-03-12. Review status: criteria provided, single submitter. Criteria: ACMG Guidelines, 2015. Collection method: clinical testing. Allele origin: germline.
Comment: The CEP78 c.1209-2A>C variant is predicted to disrupt the AG splice acceptor site and interfere with normal splicing. This variant has been reported in the compound heterozygous state in an individual with cone-rod dystrophy with sensorineural hearing loss (Ascari et al. 2021. PubMed ID: 33968938). This variant is reported in 0.0027% of alleles in individuals of European (non-Finnish) descent in gnomAD. Variants that disrupt the consensus splice acceptor site in CEP78 are expected to be pathogenic. This variant is interpreted as likely pathogenic.

Labcorp Genetics (formerly Invitae), Labcorp
Classification: Pathogenic. Last evaluated: 2025-05-21. Review status: criteria provided, single submitter. Criteria: Invitae Variant Classification Sherloc (09022015). Collection method: clinical testing. Allele origin: germline.
Comment: This sequence change affects an acceptor splice site in intron 9 of the CEP78 gene. It is expected to disrupt RNA splicing. Variants that disrupt the donor or acceptor splice site typically lead to a loss of protein function (PMID: 16199547), and loss-of-function variants in CEP78 are known to be pathogenic (PMID: 27588451, 27588452, 32531858, 33879512, 34223797, 35240912, 37734845, 38780195). This variant is present in population databases (rs778035330, gnomAD 0.003%). Disruption of this splice site has been observed in individual(s) with cone-rod dystrophy (PMID: 33968938). In at least one individual the data is consistent with being in trans (on the opposite chromosome) from a pathogenic variant. ClinVar contains an entry for this variant (Variation ID: 836906). Algorithms developed to predict the effect of sequence changes on RNA splicing suggest that this variant may disrupt the consensus splice site. For these reasons, this variant has been classified as Pathogenic.

Blueprint Genetics
Classification: Pathogenic for CEP78-related disorders. Last evaluated: 2023-06-26. Review status: criteria provided, single submitter. Criteria: ACMG Guidelines, 2015. Collection method: clinical testing. Allele origin: germline. Affected: yes. Observed: 5 variant alleles.

Genomics England Pilot Project, Genomics England
Classification: Likely pathogenic for Cone-rod dystrophy and hearing loss 1. Review status: no assertion criteria provided. Criteria: ACGS Guidelines, 2016. Collection method: clinical testing. Allele origin: germline. Affected: yes. Not counted in ClinVar's aggregate classification.

Literature cited by the submitters: PubMed 16199547 (cited by Labcorp Genetics (formerly Invitae), Labcorp); PubMed 27588451 (cited by Labcorp Genetics (formerly Invitae), Labcorp); PubMed 27588452 (cited by Labcorp Genetics (formerly Invitae), Labcorp); PubMed 32531858 (cited by Labcorp Genetics (formerly Invitae), Labcorp); PubMed 33879512 (cited by Labcorp Genetics (formerly Invitae), Labcorp); PubMed 34223797 (cited by Labcorp Genetics (formerly Invitae), Labcorp); PubMed 35240912 (cited by Labcorp Genetics (formerly Invitae), Labcorp); PubMed 37734845 (cited by Labcorp Genetics (formerly Invitae), Labcorp); PubMed 38780195 (cited by Labcorp Genetics (formerly Invitae), Labcorp); PubMed 33968938 (cited by Labcorp Genetics (formerly Invitae), Labcorp).